The following is an entry in ClinVar:

NM_018699.4(PRDM5):c.1722G>A (p.Gln574=)

Gene: PRDM5 (PR/SET domain 5; minus strand). Cytogenetic location: 4q27.
Variant type: single nucleotide variant.
Coding change: c.1722G>A on transcript NM_018699.4 (MANE Select); coding-DNA position 1722, G replaced by A.
Protein change: p.Gln574=; no amino-acid change (glutamine 574 retained).
Molecular consequence: synonymous variant. On other transcripts: 3 prime UTR variant (1), intron variant (1).
Genome position (GRCh38, 1-based): chr4:120,710,315, C>T on the plus strand (G>A on the coding strand, the complement: PRDM5 is on the minus strand). VCF-style: chr4-120710315-C-T. GRCh37 (hg19) VCF-style: chr4-121631470-C-T.
Other names: c.1629G>A, p.Gln543= (NM_001300823.2); c.*37G>A (NM_001300824.2); c.1755G>A, p.Gln585= (NM_001379104.1); c.1531-15040G>A (NM_001379106.1).
Identifiers: ClinVar variation 347431 (VCV000347431.15), dbSNP rs147796327, ClinGen allele CA3060966.

ClinVar aggregate classification (germline): Likely benign. Review status: criteria provided, multiple submitters, no conflicts (2 of 4 stars). 4 submissions from 4 submitters: Likely benign (4). Last evaluated 2025-11-04.

Conditions:
Cardiovascular phenotype. Identifiers: MedGen CN230736.

Allele frequency attached by ClinVar (database versions not stated): gnomAD exomes 0.00007 and 0.00015; ExAC 0.00008; TOPMed 0.00008; gnomAD 0.00009; ESP Exome Variant Server 0.00015.
gnomAD v4.1: 229 of 1,613,794 alleles (0.014%); highest among the groups gnomAD compares: Non-Finnish European, 0.019%; no homozygotes.

Submissions (4):

Labcorp Genetics (formerly Invitae), Labcorp
Classification: Likely benign. Last evaluated: 2025-11-04. Review status: criteria provided, single submitter. Criteria: Invitae Variant Classification Sherloc (09022015). Collection method: clinical testing. Allele origin: germline.

Women's Health and Genetics/Laboratory Corporation of America, LabCorp
Classification: Likely benign. Last evaluated: 2024-11-29. Review status: criteria provided, single submitter. Criteria: LabCorp Variant Classification Summary - May 2015. Collection method: clinical testing. Allele origin: germline.

Ambry Genetics
Classification: Likely benign for Cardiovascular phenotype. Last evaluated: 2023-05-04. Review status: criteria provided, single submitter. Criteria: Ambry Variant Classification Scheme 2023. Collection method: clinical testing. Allele origin: germline.

GeneDx
Classification: Likely benign. Last evaluated: 2017-05-11. Review status: criteria provided, single submitter. Criteria: GeneDx Variant Classification (06012015). Collection method: clinical testing. Allele origin: germline. Affected: yes.
Comment: This variant is considered likely benign or benign based on one or more of the following criteria: it is a conservative change, it occurs at a poorly conserved position in the protein, it is predicted to be benign by multiple in silico algorithms, and/or has population frequency not consistent with disease.